The following is an entry in ClinVar:

NM_000169.3(GLA):c.885del (p.Phe295fs)

Genes: GLA (galactosidase alpha; minus strand), RPL36A-HNRNPH2 (RPL36A-HNRNPH2 readthrough; plus strand). Cytogenetic location: Xq22.1.
Variant type: Deletion.
Coding change: c.885del on transcript NM_000169.3 (MANE Select); coding-DNA position 885, one base deleted (C; older notation c.885delC).
Protein change: p.Phe295fs; shifts the reading frame from phenylalanine 295.
Molecular consequence: frameshift variant. On other transcripts: non-coding transcript variant (3), intron variant (2).
Genome position (GRCh38, 1-based): chrX:101,398,484, G deleted on the plus strand (C on the coding strand, the reverse complement: GLA is on the minus strand). VCF-style (leftmost placement, unchanged base first): chrX-101398483-TG-T. GRCh37 (hg19) VCF-style: chrX-100653471-TG-T.
Other names: c.1008del, p.Phe336fs (NM_001406747.1); c.885del, p.Phe295fs (NM_001406748.1); c.300+3027del (NM_001199973.2); c.177+6662del (NM_001199974.2); short protein forms F295fs, F336fs.
Identifiers: ClinVar variation 4087017 (VCV004087017.2).

ClinVar aggregate classification (germline): Pathogenic (1 of 4 stars; one submission).

Conditions:
Fabry disease. Also called: ALPHA-GALACTOSIDASE A DEFICIENCY; ANDERSON-FABRY DISEASE; CERAMIDE TRIHEXOSIDASE DEFICIENCY; GLA DEFICIENCY; HEREDITARY DYSTOPIC LIPIDOSIS; Angiokeratoma corporis diffusum. Identifiers: Orphanet 324, MedGen C0002986, MONDO:0010526, OMIM 301500, HP:0001071. Disease mechanism: Fabry disease is due to inactivating mutations in the X-linked GLA gene resulting in deficiency of the enzyme Alpha Galactosidase-A., loss of function.

Submission:

Genomenon, Inc
Classification: Pathogenic for Fabry disease. Last evaluated: 2026-09-08. Review status: criteria provided, single submitter. Criteria: Genomenon Sequence Variant Interpretation Standards - Updated. Collection method: curation. Allele origin: germline. Affected: yes.
Comment: GLA p.Phe295LeufsTer22 (c.885del) is a frameshift variant that is predicted to introduce a premature termination codon and result in a truncated or absent protein product. This variant has been observed in at least one proband with clinical features consistent with Fabry disease (PMID:36383556). The variant was found to segregate with disease in at least one affected family (PMID:36383556). It is absent or not present at a significant frequency in gnomAD. In conclusion, we classify GLA p.Phe295LeufsTer22 (c.885del) as a pathogenic variant.

Literature cited by the submitters: PubMed 36383556.